The following is an entry in ClinVar:

ClinVar aggregate classification (germline): Likely benign. Review status: criteria provided, multiple submitters, no conflicts (2 of 4 stars). 2 submissions from 2 submitters: Likely benign (2). Last evaluated 2025-08-29.

Conditions:
Charcot-Marie-Tooth disease, type I (CMT1). Also called: Charcot-Marie-Tooth disease type 1; Charcot-Marie-Tooth, Type 1. Identifiers: Orphanet 65753, MedGen C0751036, MONDO:0019011.
MPZ-related disorder. Also called: MPZ-related disorders; MPZ-related condition.

Allele frequency attached by ClinVar (database versions not stated): gnomAD 0.00001; gnomAD exomes 0.00001 and 0.00002; ExAC 0.00002; ESP Exome Variant Server 0.00008; TOPMed below 0.00001.
gnomAD v4.1: 13 of 1,613,456 alleles (0.00081%); highest among the groups gnomAD compares: African/African-American, 0.0053%; no homozygotes.

Submissions (2):

PreventionGenetics, part of Exact Sciences
Classification: Likely benign for MPZ-related condition. Last evaluated: 2025-08-29. Review status: criteria provided, single submitter. Criteria: ACMG Guidelines, 2015. Collection method: clinical testing. Allele origin: germline.
Comment: This variant is classified as likely benign based on ACMG/AMP sequence variant interpretation guidelines (Richards et al. 2015 PMID: 25741868, with internal and published modifications).

Labcorp Genetics (formerly Invitae), Labcorp
Classification: Likely benign for Charcot-Marie-Tooth disease, type I. Last evaluated: 2025-02-04. Review status: criteria provided, single submitter. Criteria: Invitae Variant Classification Sherloc (09022015). Collection method: clinical testing. Allele origin: germline.

NM_000530.8(MPZ):c.646-7C>T

Gene: MPZ (myelin protein zero; minus strand). Cytogenetic location: 1q23.3.
Variant type: single nucleotide variant.
Coding change: c.646-7C>T on transcript NM_000530.8 (MANE Select); 7 bases into the intron before coding-DNA position 646, C replaced by T.
Molecular consequence: intron variant.
Genome position (GRCh38, 1-based): chr1:161,305,984, G>A on the plus strand (C>T on the coding strand, the complement: MPZ is on the minus strand). VCF-style: chr1-161305984-G-A. GRCh37 (hg19) VCF-style: chr1-161275774-G-A.
Other names: c.646-7C>T (NM_001315491.2, NM_000530.7).
Identifiers: ClinVar variation 704206 (VCV000704206.11), dbSNP rs377495735, ClinGen allele CA1210078.